The following is an entry in ClinVar:

NM_001267550.2(TTN):c.21119G>A (p.Arg7040Gln)

Genes: TTN (titin; minus strand), LOC126806428 (BRD4-independent group 4 enhancer GRCh37_chr2:179588362-179589561; plus strand). Cytogenetic location: 2q31.2.
Variant type: single nucleotide variant.
Coding change: c.21119G>A on transcript NM_001267550.2 (MANE Select); coding-DNA position 21119, G replaced by A.
Protein change: p.Arg7040Gln; replaces arginine 7040 with glutamine.
Molecular consequence: missense variant. On other transcripts: intron variant (3).
Genome position (GRCh38, 1-based): chr2:178,724,140, C>T on the plus strand (G>A on the coding strand, the complement: TTN is on the minus strand). VCF-style: chr2-178724140-C-T. GRCh37 (hg19) VCF-style: chr2-179588867-C-T.
Other names: c.20168G>A, p.Arg6723Gln (NM_001256850.1); c.17387G>A, p.Arg5796Gln (NM_133378.4); c.13282+13942G>A (NM_003319.4); c.13858+13942G>A (NM_133437.4); c.13657+13942G>A (NM_133432.3); short protein forms R7040Q, R6723Q, R5796Q.
Identifiers: ClinVar variation 535615 (VCV000535615.8), dbSNP rs754476903, ClinGen allele CA2001072.

ClinVar aggregate classification (germline): Uncertain significance. Review status: criteria provided, multiple submitters, no conflicts (2 of 4 stars). 4 submissions from 4 submitters: Uncertain significance (4). Last evaluated 2026-02-18.

Conditions:
TTN-related disorder. Also called: TTN-related condition; TTN-related disease; TTN-related disorders.
Dilated cardiomyopathy 1G (CMD1G). Identifiers: Orphanet 154, MedGen C1858763, MONDO:0011400, OMIM 604145.
Autosomal recessive limb-girdle muscular dystrophy type 2J (LGMDR10). Also called: MUSCULAR DYSTROPHY, LIMB-GIRDLE, AUTOSOMAL RECESSIVE 10; Limb-girdle muscular dystrophy, type 2J. Identifiers: Orphanet 140922, MedGen C1837342, MONDO:0012127, OMIM 608807.

Allele frequency attached by ClinVar (database versions not stated): ExAC 0.00001; gnomAD exomes 0.00002; TOPMed 0.00002; gnomAD 0.00003.
gnomAD v4.1: 24 of 1,609,338 alleles (0.0015%); highest among the groups gnomAD compares: Admixed American, 0.005%; no homozygotes.

Submissions (4):

PreventionGenetics, part of Exact Sciences
Classification: Uncertain significance for TTN-related condition. Last evaluated: 2026-02-18. Review status: criteria provided, single submitter. Criteria: ACMG Guidelines, 2015. Collection method: clinical testing. Allele origin: germline.
Comment: The TTN c.21119G>A variant is predicted to result in the amino acid substitution p.Arg7040Gln. To our knowledge, this variant has not been reported in the literature. This variant is reported in 0.0086% of alleles in individuals of Latino descent in gnomAD. At this time, the clinical significance of this variant is uncertain due to the absence of conclusive functional and genetic evidence.

Revvity Omics, Revvity
Classification: Uncertain significance. Last evaluated: 2025-04-16. Review status: criteria provided, single submitter. Criteria: ACMG Guidelines, 2015. Collection method: clinical testing. Allele origin: germline.

ARUP Laboratories, Molecular Genetics and Genomics, ARUP Laboratories
Classification: Uncertain significance. Last evaluated: 2023-04-24. Review status: criteria provided, single submitter. Criteria: ARUP Molecular Germline Variant Investigation Process 2024. Collection method: clinical testing. Allele origin: germline.
Comment: The TTN c c.21119G>A; p.Arg7040Gln variant (rs754476903; ClinVar Variation ID: 535615) is rare in the general population (<0.2% allele frequency in the Genome Aggregation Database) and has not been reported in the medical literature in association with dilated cardiomyopathy (DCM) or other TTN-related disease. The clinical relevance of rare missense variants in this gene, which are identified on average once per individual sequenced in affected populations (Herman 2012), is not well understood. Yet, evidence suggests that the vast majority of such missense variants do not contribute to the clinical outcome of DCM (Begay 2015). Thus, the clinical significance of the p.Arg7040Gln variant cannot be determined with certainty." References: Begay RL et al. Role of Titin Missense Variants in Dilated Cardiomyopathy. J Am Heart Assoc. 2015 Nov 13;4(11). PMID: 26567375. Herman DS et al. Truncations of titin causing dilated cardiomyopathy. N Engl J Med. 2012 Feb 16;366(7):619-28. PMID: 22335739. Linke WA and Hamdani N. Gigantic business: titin properties and function through thick and thin. Circ Res 2014; 114(6): 1052-1068. PMID: 24625729.

Labcorp Genetics (formerly Invitae), Labcorp
Classification: Uncertain significance for Dilated cardiomyopathy 1G; Autosomal recessive limb-girdle muscular dystrophy type 2J. Last evaluated: 2017-12-08. Review status: criteria provided, single submitter. Criteria: Invitae Variant Classification Sherloc (09022015). Collection method: clinical testing. Allele origin: germline.